The following is an entry in ClinVar:

ClinVar aggregate classification (germline): Pathogenic (1 of 4 stars; one submission).

Conditions:
Primary ciliary dyskinesia 3. Identifiers: Orphanet 244, MedGen C1837618, MONDO:0012085, OMIM 608644.

Submission:

Genos
Classification: Pathogenic for Primary ciliary dyskinesia 3. Last evaluated: 2026-03-31. Review status: criteria provided, single submitter. Criteria: ACMG Guidelines, 2015. Collection method: clinical testing. Allele origin: maternal. Inheritance: Autosomal recessive inheritance. Affected: yes.
Comment: The c.277+1G>T variant disrupts the canonical donor splice site of intron 3, immediately downstream of exon 3 of 79 in the DNAH5 gene. In silico analysis did not identify a strong nearby alternative (cryptic) splice site; therefore, this variant is predicted to result in skipping of exon 3, leading to a frameshift and a premature termination codon. Loss of function is a well-established disease mechanism for DNAH5. The variant is absent from the population database gnomAD v4.1. In silico tools indicate a very high probability of aberrant splicing (SpliceAI and dbscSNV: 1.00). According to ACMG recommendations, the variant was classified as pathogenic.

NM_001369.3(DNAH5):c.277+1G>T

Gene: DNAH5 (dynein axonemal heavy chain 5; minus strand). Cytogenetic location: 5p15.2.
Variant type: single nucleotide variant.
Coding change: c.277+1G>T on transcript NM_001369.3 (MANE Select); the canonical splice donor site of the intron after coding-DNA position 277, G replaced by T.
Molecular consequence: splice donor variant.
Genome position (GRCh38, 1-based): chr5:13,928,093, C>A on the plus strand (G>T on the coding strand, the complement: DNAH5 is on the minus strand). VCF-style: chr5-13928093-C-A. GRCh37 (hg19) VCF-style: chr5-13928202-C-A.
Identifiers: ClinVar variation 4820344 (VCV004820344.1).